The following is an entry in ClinVar:

NM_000444.6(PHEX):c.1080-1G>A

Gene: PHEX (phosphate regulating endopeptidase X-linked; plus strand). Cytogenetic location: Xp22.11.
Variant type: single nucleotide variant.
Coding change: c.1080-1G>A on transcript NM_000444.6 (MANE Select); the canonical splice acceptor site of the intron before coding-DNA position 1080, G replaced by A.
Molecular consequence: splice acceptor variant.
Genome position (GRCh38, 1-based): chrX:22,111,466, G>A. VCF-style: chrX-22111466-G-A. GRCh37 (hg19) VCF-style: chrX-22129584-G-A.
Other names: c.1080-1G>A (NM_001282754.2).
Identifiers: ClinVar variation 280503 (VCV000280503.3), dbSNP rs886041695, ClinGen allele CA10603569.

ClinVar aggregate classification (germline): Pathogenic. Review status: criteria provided, multiple submitters, no conflicts (2 of 4 stars). 2 submissions from 2 submitters: Pathogenic (2). Last evaluated 2018-10-31.

Conditions:
Familial X-linked hypophosphatemic vitamin D refractory rickets (XLHRD). Also called: Hypophosphatemia, vitamin D-resistant rickets; Vitamin D-resistant rickets, X-linked; X-Linked Hypophosphatemia; Hypophosphatemic Rickets, X-Linked Dominant; HYPOPHOSPHATEMIC VITAMIN D-RESISTANT RICKETS. Identifiers: Orphanet 89936, MedGen C0733682, MONDO:0010619, OMIM 307800.

Submissions (2):

Fulgent Genetics
Classification: Pathogenic for Familial X-linked hypophosphatemic vitamin D refractory rickets. Last evaluated: 2018-10-31. Review status: criteria provided, single submitter. Criteria: ACMG Guidelines, 2015. Collection method: clinical testing. Allele origin: unknown.

GeneDx
Classification: Pathogenic. Last evaluated: 2016-05-11. Review status: criteria provided, single submitter. Criteria: GeneDx Variant Classification (06012015). Collection method: clinical testing. Allele origin: germline. Affected: yes.
Comment: The c.1080-1 G>A splice site variant in the PHEX gene destroys the canonical splice acceptor site in intron 9. It is predicted to cause abnormal gene splicing, either leading to an abnormal message that is subject to nonsense-mediated mRNA decay, or to an abnormal protein product if the message is used for protein translation. The variant was not observed in approximately 6,500 individuals of European and African American ancestry in the NHLBI Exome Sequencing Project, indicating it is not a common benign variant in these populations. Other splice acceptor site variants in intron 9 (c.1080-3C>A, c.1080-2A>G) have been reported in the Human Gene Mutation Database in association with X-linked hypophosphatemic rickets (Stenson et al., 2014), supporting the deleterious effect of this variant on the protein. Although this pathogenic variant has not been previously reported to our knowledge, its presence is consistent with a diagnosis of X-linked hypophosphatemic rickets.